The following is an entry in ClinVar:

ClinVar aggregate classification (germline): Uncertain significance (1 of 4 stars; one submission).

Submission:

Labcorp Genetics (formerly Invitae), Labcorp
Classification: Uncertain significance. Last evaluated: 2022-10-16. Review status: criteria provided, single submitter. Criteria: Invitae Variant Classification Sherloc (09022015). Collection method: clinical testing. Allele origin: germline.
Comment: A copy number gain of the genomic region encompassing the full coding sequence of the GFM1 gene has been identified. The boundaries of this event are unknown as they extend beyond the assayed region for this gene and therefore may encompass additional genes. As the precise location of this event is unknown, it may be in tandem or it may be located elsewhere in the genome. Isolated whole-gene copy number gains of GFM1 have not been reported in the literature. However, larger copy number events that include this gene have been reported (PMID: 26925868). In summary, the available evidence is currently insufficient to determine the role of this variant in disease. Therefore, it has been classified as a Variant of Uncertain Significance.

Literature cited by the submitters: PubMed 26925868.

NC_000003.11:g.(?_158362424)_(158409256_?)dup

Genes: GFM1 (G elongation factor mitochondrial 1; plus strand), LXN (latexin; minus strand). Cytogenetic location: 3q25.32.
Variant type: Duplication.
Identifiers: ClinVar variation 2426907 (VCV002426907.3).